The following is an entry in ClinVar:

ClinVar aggregate classification (germline): Likely benign (0 of 4 stars; one submission).

Conditions:
DYRK1B-related disorder. Also called: DYRK1B-related condition.

gnomAD v4.1: 24 of 1,572,012 alleles (0.0015%); highest among the groups gnomAD compares: Non-Finnish European, 0.0021%; no homozygotes.

Submission:

PreventionGenetics, part of Exact Sciences
Classification: Likely benign for DYRK1B-related condition. Last evaluated: 2022-07-20. Review status: no assertion criteria provided. Collection method: clinical testing. Allele origin: germline.
Comment: This variant is classified as likely benign based on ACMG/AMP sequence variant interpretation guidelines (Richards et al. 2015 PMID: 25741868, with internal and published modifications).

NM_004714.3(DYRK1B):c.1824C>T (p.Asp608=)

Gene: DYRK1B (dual specificity tyrosine phosphorylation regulated kinase 1B; minus strand). Cytogenetic location: 19q13.2.
Variant type: single nucleotide variant.
Coding change: c.1824C>T on transcript NM_004714.3 (MANE Select); coding-DNA position 1824, C replaced by T.
Protein change: p.Asp608=; no amino-acid change (aspartic acid 608 retained).
Molecular consequence: synonymous variant.
Genome position (GRCh38, 1-based): chr19:39,825,781, G>A on the plus strand (C>T on the coding strand, the complement: DYRK1B is on the minus strand). VCF-style: chr19-39825781-G-A. GRCh37 (hg19) VCF-style: chr19-40316421-G-A.
Other names: c.1704C>T, p.Asp568= (NM_006483.3); c.1740C>T, p.Asp580= (NM_006484.3).
Identifiers: ClinVar variation 3354130 (VCV003354130.1).